The following is an entry in ClinVar:

ClinVar aggregate classification (germline): Uncertain significance (1 of 4 stars; one submission).

Conditions:
Progressive myoclonic epilepsy type 5. Identifiers: Orphanet 402082, MedGen C5190799.

Submission:

Labcorp Genetics (formerly Invitae), Labcorp
Classification: Uncertain significance for Progressive myoclonic epilepsy type 5. Last evaluated: 2023-09-11. Review status: criteria provided, single submitter. Criteria: Invitae Variant Classification Sherloc (09022015). Collection method: clinical testing. Allele origin: germline.
Comment: Experimental studies and prediction algorithms are not available or were not evaluated, and the functional significance of this variant is currently unknown. ClinVar contains an entry for this variant (Variation ID: 854711). This variant has not been reported in the literature in individuals affected with PRICKLE2-related conditions. This variant is present in population databases (rs775055707, gnomAD 0.008%). This variant, c.1526_1531del, results in the deletion of 2 amino acid(s) of the PRICKLE2 protein (p.Glu509_Glu510del), but otherwise preserves the integrity of the reading frame. In summary, the available evidence is currently insufficient to determine the role of this variant in disease. Therefore, it has been classified as a Variant of Uncertain Significance.

NM_198859.4(PRICKLE2):c.1514AGGAAG[2] (p.Glu509_Glu510del)

Gene: PRICKLE2 (prickle planar cell polarity protein 2; minus strand). Cytogenetic location: 3p14.1.
Variant type: Microsatellite.
Coding change: c.1514AGGAAG[2] on transcript NM_198859.4 (MANE Select); two copies in a row of the 6-base unit AGGAAG starting at c.1514; the reference has three copies in a row; one copy, 6 bases deleted.
Protein change: p.Glu509_Glu510del.
Molecular consequence: inframe deletion.
Genome position (GRCh38, 1-based): chr3:64,146,959-64,146,964, CTTCCT deleted on the plus strand (AGGAAG on the coding strand, the reverse complement: PRICKLE2 is on the minus strand); deleting any 6 consecutive bases within chr3:64,146,959-64,146,977 gives the same sequence; the position shown is the placement nearest the transcript's 3' end. VCF-style (leftmost placement, unchanged base first): chr3-64146958-CCTTCCT-C. GRCh37 (hg19) VCF-style: chr3-64132634-CCTTCCT-C.
Other names: c.1514AGGAAG[2], p.Glu509_Glu510del (NM_001370528.1).
Identifiers: ClinVar variation 854711 (VCV000854711.7), dbSNP rs759955615, ClinGen allele CA2479613.
Genomic context (GRCh38, chr3:64,146,958, plus strand): 5'-TCTGTGTATTTCAGGGAACTGATGGGATGACGGGTCCGACACTGCTGAGTGGACAAGCCC[CCTTCCT>C]CTTCCTCTTCCTCCTCATATTTGGGGACTTGGATGCTGCCTCGGGTCTCACTGAAACTCT-3'